The following is an entry in ClinVar:

NM_001457.4(FLNB):c.7809A>T (p.Ter2603Tyr)

Gene: FLNB (filamin B; plus strand). Cytogenetic location: 3p14.3.
Variant type: single nucleotide variant.
Coding change: c.7809A>T on transcript NM_001457.4 (MANE Select); coding-DNA position 7809, A replaced by T.
Protein change: p.Ter2603Tyr.
Molecular consequence: stop lost.
Genome position (GRCh38, 1-based): chr3:58,170,762, A>T. VCF-style: chr3-58170762-A-T. GRCh37 (hg19) VCF-style: chr3-58156489-A-T.
Other names: c.7902A>T, p.Ter2634Tyr (NM_001164317.2); c.7776A>T, p.Ter2592Tyr (NM_001164318.2); c.7737A>T, p.Ter2579Tyr (NM_001164319.2).
Identifiers: ClinVar variation 2104485 (VCV002104485.4), dbSNP rs2471282706, ClinGen allele CA353336499.

ClinVar aggregate classification (germline): Uncertain significance (1 of 4 stars; one submission).

Submission:

Labcorp Genetics (formerly Invitae), Labcorp
Classification: Uncertain significance. Last evaluated: 2022-02-28. Review status: criteria provided, single submitter. Criteria: Invitae Variant Classification Sherloc (09022015). Collection method: clinical testing. Allele origin: germline.
Comment: In summary, the available evidence is currently insufficient to determine the role of this variant in disease. Therefore, it has been classified as a Variant of Uncertain Significance. This variant has not been reported in the literature in individuals affected with FLNB-related conditions. This variant is not present in population databases (gnomAD no frequency). This sequence change disrupts the translational stop signal of the FLNB mRNA. It is expected to extend the length of the FLNB protein by 38 additional amino acid residues.